The following is an entry in ClinVar:

NC_000022.11:g.40346434C>T

Gene: ADSL (adenylosuccinate lyase; plus strand). Cytogenetic location: 22q13.1.
Variant type: single nucleotide variant.
Genome position: GRCh38 VCF-style: chr22-40346434-C-T. GRCh37 (hg19) VCF-style: chr22-40742438-C-T.
Identifiers: ClinVar variation 2056245 (VCV002056245.2), dbSNP rs1356447188, ClinGen allele CA2405715849.
Genomic context (GRCh38, chr22:40,346,434, plus strand): 5'-CCAAGTCAATTCTCAGGCAGAAGCAGCGGAGATTCTCCGCAGCCGGCAGCGCCCAGGGCG[C>T]CCGGAACCCAGAGAGCGAGACCGCGTGAAGGAAGTCCCGCCCCGCCCCGTCCTGCCCTGG-3'

ClinVar aggregate classification (germline): Uncertain significance (1 of 4 stars; one submission).

Conditions:
Adenylosuccinate lyase deficiency (ADSLD). Also called: ADSL DEFICIENCY. Identifiers: Orphanet 46, MedGen C0268126, MONDO:0007068, OMIM 103050.

Submission:

Labcorp Genetics (formerly Invitae), Labcorp
Classification: Uncertain significance for Adenylosuccinate lyase deficiency. Last evaluated: 2022-08-10. Review status: criteria provided, single submitter. Criteria: Invitae Variant Classification Sherloc (09022015). Collection method: clinical testing. Allele origin: germline.
Comment: This variant occurs in a non-coding region of the ADSL gene. It does not change the encoded amino acid sequence of the ADSL protein. This variant is not present in population databases (gnomAD no frequency). This variant has not been reported in the literature in individuals affected with ADSL-related conditions. Experimental studies and prediction algorithms are not available or were not evaluated, and the functional significance of this variant is currently unknown. In summary, the available evidence is currently insufficient to determine the role of this variant in disease. Therefore, it has been classified as a Variant of Uncertain Significance.